The following is an entry in ClinVar:

ClinVar aggregate classification (germline): Uncertain significance. Review status: criteria provided, multiple submitters, no conflicts (2 of 4 stars). 4 submissions from 4 submitters: Uncertain significance (2). 2 of the submissions do not count toward it. Last evaluated 2022-10-29.

Conditions:
Cardiomyopathy (CMYO). Also called: Cardiomyopathies. Identifiers: Orphanet 167848, MedGen C0878544, MONDO:0004994, HP:0001638. Inheritance: Various modes of inheritance.
Hypertrophic cardiomyopathy. Also called: HYPERTROPHIC MYOCARDIOPATHY. Identifiers: Orphanet 217569, MedGen C0007194, MeSH D002312, MONDO:0005045, HP:0001639.

Allele frequency attached by ClinVar (database versions not stated): gnomAD exomes below 0.00001 and 0.00001.
gnomAD v4.1: 5 of 1,572,808 alleles (0.00032%); highest among the groups gnomAD compares: Non-Finnish European, 0.00043%; no homozygotes.

Submissions (4):

Labcorp Genetics (formerly Invitae), Labcorp
Classification: Uncertain significance for Hypertrophic cardiomyopathy. Last evaluated: 2022-10-29. Review status: criteria provided, single submitter. Criteria: Invitae Variant Classification Sherloc (09022015). Collection method: clinical testing. Allele origin: germline.
Comment: In summary, the available evidence is currently insufficient to determine the role of this variant in disease. Therefore, it has been classified as a Variant of Uncertain Significance. This sequence change replaces serine, which is neutral and polar, with cysteine, which is neutral and slightly polar, at codon 275 of the MYBPC3 protein (p.Ser275Cys). This variant is present in population databases (no rsID available, gnomAD 0.003%). This variant has not been reported in the literature in individuals affected with MYBPC3-related conditions. ClinVar contains an entry for this variant (Variation ID: 937491). Algorithms developed to predict the effect of missense changes on protein structure and function are either unavailable or do not agree on the potential impact of this missense change (SIFT: "Deleterious"; PolyPhen-2: "Benign"; Align-GVGD: "Class C0"). Algorithms developed to predict the effect of sequence changes on RNA splicing suggest that this variant may create or strengthen a splice site.

Color Diagnostics, LLC DBA Color Health
Classification: Uncertain significance for Cardiomyopathy. Last evaluated: 2020-11-09. Review status: criteria provided, single submitter. Criteria: ACMG Guidelines, 2015. Collection method: clinical testing. Allele origin: germline.
Comment: This missense variant replaces serine with cysteine at codon 275 of the MYBPC3 protein. Computational prediction suggests that this variant may not impact protein structure and function (internally defined REVEL score threshold <= 0.5, PMID: 27666373). To our knowledge, functional studies have not been reported for this variant. This variant has not been reported in individuals affected with cardiovascular disorders in the literature. This variant has been identified in 2/183868 chromosomes in the general population by the Genome Aggregation Database (gnomAD). The available evidence is insufficient to determine the role of this variant in disease conclusively. Therefore, this variant is classified as a Variant of Uncertain Significance.

Clinical Genetics, Academic Medical Center
Classification: Uncertain significance. Review status: no assertion criteria provided. Collection method: clinical testing. Allele origin: germline. Affected: yes. Study: VKGL Data-share Consensus. Not counted in ClinVar's aggregate classification.

Diagnostic Laboratory, Department of Genetics, University Medical Center Groningen
Classification: Uncertain significance. Review status: no assertion criteria provided. Collection method: clinical testing. Allele origin: germline. Affected: yes. Study: VKGL Data-share Consensus. Not counted in ClinVar's aggregate classification.

NM_000256.3(MYBPC3):c.823A>T (p.Ser275Cys)

Gene: MYBPC3 (myosin binding protein C3; minus strand). Cytogenetic location: 11p11.2.
Variant type: single nucleotide variant.
Coding change: c.823A>T on transcript NM_000256.3 (MANE Select); coding-DNA position 823, A replaced by T.
Protein change: p.Ser275Cys; replaces serine 275 with cysteine.
Molecular consequence: missense variant.
Genome position (GRCh38, 1-based): chr11:47,347,679, T>A on the plus strand (A>T on the coding strand, the complement: MYBPC3 is on the minus strand). VCF-style: chr11-47347679-T-A. GRCh37 (hg19) VCF-style: chr11-47369230-T-A.
Other names: short protein forms S275C.
Identifiers: ClinVar variation 937491 (VCV000937491.14), dbSNP rs1224529304, ClinGen allele CA380333659.